The following is an entry in ClinVar:

NM_007294.4(BRCA1):c.5406+4A>G

Gene: BRCA1 (BRCA1 DNA repair associated; minus strand). Cytogenetic location: 17q21.31.
Variant type: single nucleotide variant.
Coding change: c.5406+4A>G on transcript NM_007294.4 (MANE Select); 4 bases into the intron after coding-DNA position 5406, A replaced by G.
Molecular consequence: intron variant.
Genome position (GRCh38, 1-based): chr17:43,049,117, T>C on the plus strand (A>G on the coding strand, the complement: BRCA1 is on the minus strand). VCF-style: chr17-43049117-T-C. GRCh37 (hg19) VCF-style: chr17-41201134-T-C.
Other names: c.5469+4A>G (NM_007300.3, NM_001407587.1, NM_001407585.1 and 2 more transcripts); c.1953+4A>G (NM_001408458.1, NM_001408461.1, NM_001408464.1 and 7 more transcripts); c.4515+4A>G (NM_001407967.1); c.5025+4A>G (NM_001407959.1); c.5139+4A>G (NM_001407931.1, NM_001407932.1, NM_001407928.1 and 4 more transcripts); c.5262+4A>G (NM_001407747.1, NM_001407745.1, NM_001407737.1 and 18 more transcripts); c.5022+4A>G (NM_001407962.1, NM_001407960.1); c.1593+4A>G (NM_001408512.1); and 84 more.
Identifiers: ClinVar variation 55563 (VCV000055563.26), dbSNP rs397509279, ClinGen allele CA003557.

ClinVar aggregate classification (germline): Pathogenic/Likely pathogenic. Review status: criteria provided, multiple submitters, no conflicts (2 of 4 stars). 7 submissions from 7 submitters: Pathogenic (5); Likely pathogenic (1). 1 of the submissions does not count toward it. Last evaluated 2026-02-02.

Conditions:
Hereditary cancer-predisposing syndrome. Also called: Hereditary Cancer Syndrome; Hereditary neoplastic syndrome; Neoplastic Syndromes, Hereditary; Tumor predisposition. Identifiers: Orphanet 140162, MedGen C0027672, MeSH D009386, MONDO:0015356.
Hereditary breast ovarian cancer syndrome. Also called: BRCA1- and BRCA2-Associated Hereditary Breast and Ovarian Cancer; Hereditary breast and ovarian cancer syndrome; Hereditary breast and ovarian cancer syndrome (HBOC); Breast and ovarian cancer; Hereditary breast and/or ovarian cancer syndrome; Hereditary breast and ovarian cancer. Identifiers: Orphanet 145, MedGen C0677776, MeSH D061325, MONDO:0003582. Disease mechanism: loss of function.
Breast-ovarian cancer, familial, susceptibility to, 1 (BROVCA1). Also called: BRCA1 Hereditary Breast and Ovarian Cancer; OVARIAN CANCER, SUSCEPTIBILITY TO. Identifiers: Orphanet 145, MedGen C2676676, MONDO:0011450, OMIM 604370. Disease mechanism: loss of function.

Submissions (8):

Institute of Human Genetics, FAU Erlangen, Friedrich-Alexander-Universität Erlangen-Nürnberg
Classification: Pathogenic. Last evaluated: 2026-02-02. Review status: criteria provided, single submitter. Criteria: Hauer et al. (Genet Med. 2018). Collection method: clinical testing. Allele origin: germline. Inheritance: Unknown mechanism. Affected: yes. Observed: 1 variant allele.
Comment: This variant has been identified by standard clinical testing.

Ambry Genetics
Classification: Pathogenic for Hereditary cancer-predisposing syndrome. Last evaluated: 2025-02-26. Review status: criteria provided, single submitter. Criteria: Ambry Variant Classification Scheme 2023. Collection method: clinical testing. Allele origin: germline.
Comment: The c.5406+4A>G intronic pathogenic mutation results from an A to G substitution 4 nucleotides after coding exon 20 in the BRCA1 gene. Multiple studies with patient-derived RNA showed that the cDNA had skipping of coding exon 20 (also known as Exon 22) leading to a frameshift with predicted premature termination codon (Ambry internal data; Wappenschmidt B et al. PLoS ONE, 2012 Dec;7:e50800; Kraus C et al. Int. J. Cancer, 2017 Jan;140:95-102). A similar alteration, BRCA1 c.5406+5C>G was shown to have the same splice defect (Houdayer C et al. Hum. Mutat., 2012 Aug;33:1228-38). Another functional study found that this nucleotide substitution is deleterious in a high-throughput, genome editing, haploid cell survival assay (Findlay GM et al. Nature, 2018 10;562:217-222). This nucleotide position is highly conserved in available vertebrate species. In silico splice site analysis for this alteration is inconclusive. This variant is considered to be rare based on population cohorts in the Genome Aggregation Database (gnomAD). Based on the majority of available evidence to date, this alteration is interpreted as a disease-causing mutation.

Labcorp Genetics (formerly Invitae), Labcorp
Classification: Pathogenic for Hereditary breast ovarian cancer syndrome. Last evaluated: 2022-04-23. Review status: criteria provided, single submitter. Criteria: Invitae Variant Classification Sherloc (09022015). Collection method: clinical testing. Allele origin: germline.
Comment: This variant has been observed in individual(s) with clinical features of hereditary breast and ovarian cancer syndrome (PMID: 23239986, 27616075). For these reasons, this variant has been classified as Pathogenic. Variants that disrupt the consensus splice site are a relatively common cause of aberrant splicing (PMID: 17576681, 9536098). Studies have shown that this variant results in skipping of exon 21 (also known as exon 22) and introduces a premature termination codon (PMID: 23239986, 27616075). The resulting mRNA is expected to undergo nonsense-mediated decay. Experimental studies have shown that this variant affects BRCA1 function (PMID: 30209399). Algorithms developed to predict the effect of variants on protein structure and function are not available or were not evaluated for this variant. ClinVar contains an entry for this variant (Variation ID: 55563). This variant is also known as IVS22+4A>G. This variant is not present in population databases (gnomAD no frequency). This sequence change falls in intron 21 of the BRCA1 gene. It does not directly change the encoded amino acid sequence of the BRCA1 protein. RNA analysis indicates that this variant induces altered splicing and may result in an absent or disrupted protein product.

Color Diagnostics, LLC DBA Color Health
Classification: Likely pathogenic for Hereditary cancer-predisposing syndrome. Last evaluated: 2020-01-02. Review status: criteria provided, single submitter. Criteria: ACMG Guidelines, 2015. Collection method: clinical testing. Allele origin: germline.
Comment: This variant causes an A>G nucleotide substitution at the +4 position of intron 21 of the BRCA1 gene. Functional RNA studies have shown that this variant causes skipping of exon 22, resulting in premature truncation of the BRCA1 protein (PMID 27616075, 23239986). To our knowledge, functional studies of protein function have not been performed for this variant. This variant has been reported in individuals affected with breast and/or ovarian cancer in the literature (PMID 27616075, 23239986). This variant has not been identified in the general population by the Genome Aggregation Database (gnomAD). Loss of BRCA1 function is a known mechanism of disease. Based on the available evidence, this variant is classified as Likely Pathogenic.

GeneDx
Classification: Pathogenic. Last evaluated: 2019-10-18. Review status: criteria provided, single submitter. Criteria: GeneDx Variant Classification Process June 2021. Collection method: clinical testing. Allele origin: germline. Affected: yes.
Comment: Non-canonical splice site variant demonstrated to result in loss-of-function (Wappenschmidt 2012, Kraus 2017); Published functional studies demonstrate a damaging effect: classified as non-functional based on a saturation genome editing (SGE) assay measuring cell growth (Findlay 2018); Observed in individuals with ovarian cancer (Wappenschmidt 2012, Kraus 2017); Not observed in large population cohorts (Lek 2016); Also known as BRCA1 5525+4A>G; This variant is associated with the following publications: (PMID: 23239986, 30209399, 27616075)

Quest Diagnostics Nichols Institute San Juan Capistrano
Classification: Pathogenic. Last evaluated: 2016-09-27. Review status: criteria provided, single submitter. Criteria: Quest Diagnostics criteria. Collection method: clinical testing. Allele origin: germline.

KCCC/NGS Laboratory, Kuwait Cancer Control Center
Classification: Pathogenic for Breast-ovarian cancer, familial, susceptibility to, 1. Last evaluated: 2023-05-05. Review status: no assertion criteria provided. Collection method: clinical testing. Allele origin: germline. Affected: yes. Not counted in ClinVar's aggregate classification.
Comment: A pathogenic mutation ws detected in the BRCA1 gene. The c.5469+4A>G, also known as c.5406+4A>G in the literature, intronic variant results from an A to G substitution 4 nucleotides after coding exon 20 in the BRCA1 gene. This nucleotide position is highly conserved in available vertebrate species. Using the BDGP and ESEfinder splice site prediction tools, this alteration is predicted to weaken the efficiency of the native splice donor site; and multiple studies with patient-derived RNA showed that the cDNA had skipping of coding exon 20 (also known as Exon 22) leading to a frameshift with predicted premature termination codon (Wappenschmidt B et al. PLoS ONE, 2012 Dec;7:e50800; Kraus C et al. Int. J. Cancer, 2017 Jan;140:95-102). ClinVar has an entry for this variant with 5 submissions, all of which describe it as pathogenic or likely pathogenic. Therefore, this variant has been classified as pathogenic.

Brotman Baty Institute, University of Washington
No classification provided (evidence only). Condition: Breast-ovarian cancer, familial 1. Review status: no classification provided. Collection method: in vitro. Allele origin: not applicable. Functional consequence: functionally_abnormal. Not counted in ClinVar's aggregate classification.
ClinVar note: "not provided" was previously submitted as the classification for the variant. However, the classification appeared to be based only on an observation of functional data so it was converted to no classification on 2025-07-30.

Literature cited by the submitters: PubMed 22505045 (cited by Ambry Genetics); PubMed 27616075 (cited by Ambry Genetics and Labcorp Genetics (formerly Invitae), Labcorp); PubMed 30209399 (cited by Ambry Genetics and Labcorp Genetics (formerly Invitae), Labcorp); PubMed 23239986 (cited by Labcorp Genetics (formerly Invitae), Labcorp and Quest Diagnostics Nichols Institute San Juan Capistrano); PubMed 17576681 (cited by Labcorp Genetics (formerly Invitae), Labcorp); PubMed 9536098 (cited by Labcorp Genetics (formerly Invitae), Labcorp); PubMed 20104584 (cited by KCCC/NGS Laboratory, Kuwait Cancer Control Center).